The following is an entry in ClinVar:

NM_000096.4(CP):c.2978T>C (p.Leu993Ser)

Gene: CP (ceruloplasmin; minus strand). Cytogenetic location: 3q24.
Variant type: single nucleotide variant.
Coding change: c.2978T>C on transcript NM_000096.4 (MANE Select); coding-DNA position 2978, T replaced by C.
Protein change: p.Leu993Ser; replaces leucine 993 with serine.
Molecular consequence: missense variant. On other transcripts: non-coding transcript variant (1).
Genome position (GRCh38, 1-based): chr3:149,177,880, A>G on the plus strand (T>C on the coding strand, the complement: CP is on the minus strand). VCF-style: chr3-149177880-A-G. GRCh37 (hg19) VCF-style: chr3-148895667-A-G.
Other names: short protein forms L993S.
Identifiers: ClinVar variation 2078888 (VCV002078888.4), dbSNP rs2472730025, ClinGen allele CA354929174.
Genomic context (GRCh38, chr3:149,177,880, plus strand): 5'-TTGCCATGGATAGCTCTTACCTTGTATTGGAAGCTATGGCCGTGAAAATGTACAGTGTGT[A>G]AGTCTATTTCATTGCCCATTCCCATCAGATACCAGTTGACTTCATCTCCCACGTGCATTG-3'
Protein context (NP_000087.2, residues 983-1003): YLMGMGNEID[Leu993Ser]HTVHFHGHSF

ClinVar aggregate classification (germline): Uncertain significance (1 of 4 stars; one submission).

Conditions:
Deficiency of ferroxidase (ACEP). Also called: NEURODEGENERATION WITH BRAIN IRON ACCUMULATION 10; Deficiency of ceruloplasmin; Aceruloplasminemia; Ceruloplasmin deficiency; Familial apoceruloplasmin deficiency; Hereditary ceruloplasmin deficiency. Identifiers: Orphanet 48818, MedGen C0878682, MONDO:0011426, OMIM 604290, HP:0025498.

Allele frequency attached by ClinVar (database versions not stated): gnomAD exomes below 0.00001.
gnomAD v4.1: 2 of 1,613,814 alleles (0.00012%); highest among the groups gnomAD compares: Non-Finnish European, 0.00017%; no homozygotes.

Submission:

Labcorp Genetics (formerly Invitae), Labcorp
Classification: Uncertain significance for Deficiency of ferroxidase. Last evaluated: 2022-01-11. Review status: criteria provided, single submitter. Criteria: Invitae Variant Classification Sherloc (09022015). Collection method: clinical testing. Allele origin: germline.
Comment: In summary, the available evidence is currently insufficient to determine the role of this variant in disease. Therefore, it has been classified as a Variant of Uncertain Significance. Algorithms developed to predict the effect of missense changes on protein structure and function (SIFT, PolyPhen-2, Align-GVGD) all suggest that this variant is likely to be disruptive. This variant has not been reported in the literature in individuals affected with CP-related conditions. This variant is not present in population databases (gnomAD no frequency). This sequence change replaces leucine, which is neutral and non-polar, with serine, which is neutral and polar, at codon 993 of the CP protein (p.Leu993Ser).